The following is an entry in ClinVar:

ClinVar aggregate classification (germline): Uncertain significance (1 of 4 stars; one submission).

Conditions:
Lethal congenital glycogen storage disease of heart. Also called: GLYCOGEN STORAGE DISEASE OF HEART; PHOSPHORYLASE KINASE DEFICIENCY OF HEART. Identifiers: Orphanet 439854, MedGen C1849813, MONDO:0009867, OMIM 261740.

Submission:

Labcorp Genetics (formerly Invitae), Labcorp
Classification: Uncertain significance for Lethal congenital glycogen storage disease of heart. Last evaluated: 2023-11-02. Review status: criteria provided, single submitter. Criteria: Invitae Variant Classification Sherloc (09022015). Collection method: clinical testing. Allele origin: germline.
Comment: This sequence change creates a premature translational stop signal (p.Glu465Aspfs*12) in the PRKAG2 gene. It is expected to result in an absent or disrupted protein product. However, the current clinical and genetic evidence is not sufficient to establish whether loss-of-function variants in PRKAG2 cause disease. This variant is not present in population databases (gnomAD no frequency). This variant has not been reported in the literature in individuals affected with PRKAG2-related conditions. In summary, the available evidence is currently insufficient to determine the role of this variant in disease. Therefore, it has been classified as a Variant of Uncertain Significance.

NM_016203.4(PRKAG2):c.1395_1396del (p.Glu465fs)

Gene: PRKAG2 (protein kinase AMP-activated non-catalytic subunit gamma 2; minus strand). Cytogenetic location: 7q36.1.
Variant type: Deletion.
Coding change: c.1395_1396del on transcript NM_016203.4 (MANE Select); coding-DNA positions 1395 to 1396, 2 bases deleted (GT; older notation c.1395_1396delGT).
Protein change: p.Glu465fs; shifts the reading frame from glutamic acid 465.
Molecular consequence: frameshift variant.
Genome position (GRCh38, 1-based): chr7:151,565,723-151,565,724, AC deleted on the plus strand (GT on the coding strand, the reverse complement: PRKAG2 is on the minus strand). VCF-style (leftmost placement, unchanged base first): chr7-151565722-GAC-G. GRCh37 (hg19) VCF-style: chr7-151262808-GAC-G.
Other names: c.1263_1264del, p.Glu421fs (NM_001040633.2, NM_001407024.1); c.1020_1021del, p.Glu340fs (NM_001304527.2, NM_001407029.1); c.1392_1393del, p.Glu464fs (NM_001407022.1, NM_001407023.1); c.1260_1261del, p.Glu420fs (NM_001407027.1, NM_001407026.1); c.1023_1024del, p.Glu341fs (NM_001407028.1, NM_001363698.2); c.1104_1105del, p.Glu368fs (NM_001407031.1); c.1077_1078del, p.Glu359fs (NM_001407032.1); c.1395_1396del, p.Glu465fs (NM_001407021.1); and 6 more; short protein forms E369fs, E420fs, E421fs, E224fs, E244fs, E341fs, E464fs, E465fs.
Identifiers: ClinVar variation 2692618 (VCV002692618.3), dbSNP rs2536295319, ClinGen allele CA2697549707.